The following is an entry in ClinVar:

NM_030962.4(SBF2):c.3602A>G (p.His1201Arg)

Gene: SBF2 (SET binding factor 2; minus strand). Cytogenetic location: 11p15.4.
Variant type: single nucleotide variant.
Coding change: c.3602A>G on transcript NM_030962.4 (MANE Select); coding-DNA position 3602, A replaced by G.
Protein change: p.His1201Arg; replaces histidine 1201 with arginine.
Molecular consequence: missense variant.
Genome position (GRCh38, 1-based): chr11:9,832,274, T>C on the plus strand (A>G on the coding strand, the complement: SBF2 is on the minus strand). VCF-style: chr11-9832274-T-C. GRCh37 (hg19) VCF-style: chr11-9853821-T-C.
Other names: c.3602A>G, p.His1201Arg (NM_001386339.1); c.3473A>G, p.His1158Arg (NM_001386342.1); short protein forms H1201R, H1158R.
Identifiers: ClinVar variation 225113 (VCV000225113.11), dbSNP rs869312970, ClinGen allele CA358258.

ClinVar aggregate classification (germline): Conflicting classifications of pathogenicity. Review status: criteria provided, conflicting classifications (1 of 4 stars). 2 submissions from 2 submitters: Likely pathogenic (1); Uncertain significance (1). Last evaluated 2022-07-15.

Conditions:
Charcot-Marie-Tooth disease type 4. Also called: Charcot-Marie-Tooth disease, type IV; Charcot-Marie-Tooth, Type 4. Identifiers: Orphanet 64749, MedGen C4082197, MONDO:0018995.
Inborn genetic diseases. Identifiers: MedGen C0950123, MeSH D030342.

Allele frequency attached by ClinVar (database versions not stated): gnomAD exomes below 0.00001; TOPMed below 0.00001.
gnomAD v4.1: 1 of 1,614,204 alleles (0.000062%); highest among the groups gnomAD compares: Non-Finnish European, 0.000085%; no homozygotes.

Submissions (2):

Labcorp Genetics (formerly Invitae), Labcorp
Classification: Uncertain significance for Charcot-Marie-Tooth disease type 4. Last evaluated: 2022-07-15. Review status: criteria provided, single submitter. Criteria: Invitae Variant Classification Sherloc (09022015). Collection method: clinical testing. Allele origin: germline.
Comment: This variant is not present in population databases (gnomAD no frequency). In summary, the available evidence is currently insufficient to determine the role of this variant in disease. Therefore, it has been classified as a Variant of Uncertain Significance. Algorithms developed to predict the effect of missense changes on protein structure and function are either unavailable or do not agree on the potential impact of this missense change (SIFT: "Tolerated"; PolyPhen-2: "Probably Damaging"; Align-GVGD: "Class C0"). ClinVar contains an entry for this variant (Variation ID: 225113). This variant has not been reported in the literature in individuals affected with SBF2-related conditions. This sequence change replaces histidine, which is basic and polar, with arginine, which is basic and polar, at codon 1201 of the SBF2 protein (p.His1201Arg).

Ambry Genetics
Classification: Likely pathogenic for Inborn genetic diseases. Last evaluated: 2014-06-13. Review status: criteria provided, single submitter. Criteria: Ambry Autosomal Dominant and X-Linked criteria (10/2015). Collection method: clinical testing. Allele origin: germline. Observed: 1 variant allele.